The following is an entry in ClinVar:

NM_015164.4(PLEKHM2):c.916G>A (p.Ala306Thr)

Gene: PLEKHM2 (pleckstrin homology and RUN domain containing M2; plus strand). Cytogenetic location: 1p36.21.
Variant type: single nucleotide variant.
Coding change: c.916G>A on transcript NM_015164.4 (MANE Select); coding-DNA position 916, G replaced by A.
Protein change: p.Ala306Thr; replaces alanine 306 with threonine.
Molecular consequence: missense variant.
Genome position (GRCh38, 1-based): chr1:15,725,520, G>A. VCF-style: chr1-15725520-G-A. GRCh37 (hg19) VCF-style: chr1-16052015-G-A.
Other names: c.856G>A, p.Ala286Thr (NM_001410755.1); short protein forms A306T, A286T.
Identifiers: ClinVar variation 2741307 (VCV002741307.3), dbSNP rs777681927, ClinGen allele CA616801.

ClinVar aggregate classification (germline): Uncertain significance (1 of 4 stars; one submission).

Allele frequency attached by ClinVar (database versions not stated): gnomAD exomes below 0.00001; TOPMed 0.00002; ExAC 0.00004.
gnomAD v4.1: 5 of 1,571,784 alleles (0.00032%); highest among the groups gnomAD compares: Admixed American, 0.0055%; no homozygotes.

Submission:

Labcorp Genetics (formerly Invitae), Labcorp
Classification: Uncertain significance. Last evaluated: 2024-03-04. Review status: criteria provided, single submitter. Criteria: Invitae Variant Classification Sherloc (09022015). Collection method: clinical testing. Allele origin: germline.
Comment: This sequence change replaces alanine, which is neutral and non-polar, with threonine, which is neutral and polar, at codon 306 of the PLEKHM2 protein (p.Ala306Thr). The frequency data for this variant in the population databases is considered unreliable, as metrics indicate poor data quality at this position in the gnomAD database. This variant has not been reported in the literature in individuals affected with PLEKHM2-related conditions. Algorithms developed to predict the effect of missense changes on protein structure and function output the following: SIFT: "Not Available"; PolyPhen-2: "Benign"; Align-GVGD: "Not Available". The threonine amino acid residue is found in multiple mammalian species, which suggests that this missense change does not adversely affect protein function. In summary, the available evidence is currently insufficient to determine the role of this variant in disease. Therefore, it has been classified as a Variant of Uncertain Significance.